The following is an entry in ClinVar:

ClinVar aggregate classification (germline): Uncertain significance (1 of 4 stars; one submission).

Conditions:
Breast-ovarian cancer, familial, susceptibility to, 1 (BROVCA1). Also called: BRCA1 Hereditary Breast and Ovarian Cancer; OVARIAN CANCER, SUSCEPTIBILITY TO. Identifiers: Orphanet 145, MedGen C2676676, MONDO:0011450, OMIM 604370. Disease mechanism: loss of function.

Allele frequency attached by ClinVar (database versions not stated): gnomAD exomes below 0.00001.
gnomAD v4.1: 1 of 1,613,822 alleles (0.000062%); highest among the groups gnomAD compares: South Asian, 0.0011%; no homozygotes.

Submission:

All of Us Research Program, National Institutes of Health
Classification: Uncertain significance for Breast-ovarian cancer, familial, susceptibility to, 1. Last evaluated: 2023-12-01. Review status: criteria provided, single submitter. Criteria: ACMG Guidelines, 2015. Collection method: clinical testing. Allele origin: germline. Inheritance: Autosomal dominant inheritance. Observed: 1 variant allele, 1 heterozygote.
Comment: This study involves interpretation of variants in research participants for the purpose of population health screening. Participant phenotype was not available at the time of variant classification. Additional details can be found in publication PMID: 35346344, PMCID: PMC8962531

NM_007294.4(BRCA1):c.1593G>A (p.Met531Ile)

Gene: BRCA1 (BRCA1 DNA repair associated; minus strand). Cytogenetic location: 17q21.31.
Variant type: single nucleotide variant.
Coding change: c.1593G>A on transcript NM_007294.4 (MANE Select); coding-DNA position 1593, G replaced by A.
Protein change: p.Met531Ile; replaces methionine 531 with isoleucine.
Molecular consequence: missense variant. On other transcripts: intron variant (137).
Genome position (GRCh38, 1-based): chr17:43,093,938, C>T on the plus strand (G>A on the coding strand, the complement: BRCA1 is on the minus strand). VCF-style: chr17-43093938-C-T. GRCh37 (hg19) VCF-style: chr17-41245955-C-T.
Other names: c.705G>A, p.Met235Ile (NM_001407966.1, NM_001407967.1); c.1452G>A, p.Met484Ile (NM_007297.4, NM_001407942.1, NM_001407944.1 and 29 more transcripts); c.1593G>A, p.Met531Ile (NM_007300.4, NM_001407581.1, NM_001407582.1 and 30 more transcripts); c.646+806G>A (NM_001408458.1, NM_001408469.1, NM_001408453.1 and 11 more transcripts); c.283+806G>A (NM_001408512.1); c.406+806G>A (NM_001408510.1); c.643+806G>A (NM_001408470.1, NM_001408464.1, NM_001408468.1 and 3 more transcripts); c.784+806G>A (NM_001408397.1, NM_001408401.1, NM_001408396.1 and 13 more transcripts); and 40 more; short protein forms M235I, M363I, M403I, M404I, M419I, M420I, M442I, M443I.
Identifiers: ClinVar variation 3074124 (VCV003074124.1), dbSNP rs2154434764, ClinGen allele CA10598859.